The following is an entry in ClinVar:

NM_015102.5(NPHP4):c.2204G>A (p.Arg735Gln)

Gene: NPHP4 (nephrocystin 4; minus strand). Cytogenetic location: 1p36.31.
Variant type: single nucleotide variant.
Coding change: c.2204G>A on transcript NM_015102.5 (MANE Select); coding-DNA position 2204, G replaced by A.
Protein change: p.Arg735Gln; replaces arginine 735 with glutamine.
Molecular consequence: missense variant. On other transcripts: non-coding transcript variant (1).
Genome position (GRCh38, 1-based): chr1:5,890,968, C>T on the plus strand (G>A on the coding strand, the complement: NPHP4 is on the minus strand). VCF-style: chr1-5890968-C-T. GRCh37 (hg19) VCF-style: chr1-5951028-C-T.
Other names: c.665G>A, p.Arg222Gln (NM_001291593.2); c.668G>A, p.Arg223Gln (NM_001291594.2); short protein forms R222Q, R735Q, R223Q.
Identifiers: ClinVar variation 4707294 (VCV004707294.2).

ClinVar aggregate classification (germline): Uncertain significance. Review status: criteria provided, multiple submitters, no conflicts (2 of 4 stars). 2 submissions from 2 submitters: Uncertain significance (2). Last evaluated 2026-01-22.

Conditions:
Nephronophthisis. Also called: Juvenile Nephronophthisis. Identifiers: Orphanet 655, MedGen C0687120, MONDO:0019005, HP:0000090.

gnomAD v4.1: 28 of 1,591,562 alleles (0.0018%); highest among the groups gnomAD compares: South Asian, 0.0022%; no homozygotes.

Submissions (2):

Labcorp Genetics (formerly Invitae), Labcorp
Classification: Uncertain significance for Nephronophthisis. Last evaluated: 2026-01-22. Review status: criteria provided, single submitter. Criteria: Invitae Variant Classification Sherloc (09022015). Collection method: clinical testing. Allele origin: germline.
Comment: This sequence change replaces arginine, which is basic and polar, with glutamine, which is neutral and polar, at codon 735 of the NPHP4 protein (p.Arg735Gln). This variant is present in population databases (no rsID available, gnomAD 0.003%). This variant has not been reported in the literature in individuals affected with NPHP4-related conditions. Invitae Evidence Modeling of protein sequence and biophysical properties (such as structural, functional, and spatial information, amino acid conservation, physicochemical variation, residue mobility, and thermodynamic stability) indicates that this missense variant is not expected to disrupt NPHP4 protein function with a negative predictive value of 80%. In summary, the available evidence is currently insufficient to determine the role of this variant in disease. Therefore, it has been classified as a Variant of Uncertain Significance.

Blueprint Genetics
Classification: Uncertain significance. Last evaluated: 2023-04-28. Review status: criteria provided, single submitter. Criteria: ACMG Guidelines, 2015. Collection method: clinical testing. Allele origin: germline.